The following is an entry in ClinVar:

NM_006531.5(IFT88):c.265-7T>C

Gene: IFT88 (intraflagellar transport 88; plus strand). Cytogenetic location: 13q12.11.
Variant type: single nucleotide variant.
Coding change: c.265-7T>C on transcript NM_006531.5 (MANE Select); 7 bases into the intron before coding-DNA position 265, T replaced by C.
Molecular consequence: intron variant.
Genome position (GRCh38, 1-based): chr13:20,591,611, T>C. VCF-style: chr13-20591611-T-C. GRCh37 (hg19) VCF-style: chr13-21165750-T-C.
Other names: c.292-7T>C (NM_001318493.2, NM_175605.5, NM_001353570.2 and 6 more transcripts); c.265-7T>C (NM_001353568.2, NM_001353572.2, NM_001353571.2 and 1 more transcripts); c.-299-7T>C (NM_001353579.2); c.208-7T>C (NM_001353575.2, NM_001318491.2, NM_001353573.2 and 1 more transcripts).
Identifiers: ClinVar variation 2121832 (VCV002121832.4), dbSNP rs1237351608, ClinGen allele CA696388964.

ClinVar aggregate classification (germline): Uncertain significance (1 of 4 stars; one submission).

Submission:

Labcorp Genetics (formerly Invitae), Labcorp
Classification: Uncertain significance. Last evaluated: 2024-07-08. Review status: criteria provided, single submitter. Criteria: Invitae Variant Classification Sherloc (09022015). Collection method: clinical testing. Allele origin: germline.
Comment: This sequence change falls in intron 7 of the IFT88 gene. It does not directly change the encoded amino acid sequence of the IFT88 protein. This variant is not present in population databases (gnomAD no frequency). This variant has not been reported in the literature in individuals affected with IFT88-related conditions. ClinVar contains an entry for this variant (Variation ID: 2121832). Algorithms developed to predict the effect of sequence changes on RNA splicing suggest that this variant may disrupt the consensus splice site. In summary, the available evidence is currently insufficient to determine the role of this variant in disease. Therefore, it has been classified as a Variant of Uncertain Significance.